The following is an entry in ClinVar:

ClinVar aggregate classification (germline): Likely benign. Review status: criteria provided, multiple submitters, no conflicts (2 of 4 stars). 4 submissions from 4 submitters: Likely benign (4). Last evaluated 2025-12-03.

Conditions:
FLNC-related disorder. Also called: FLNC-related disorders; FLNC-related condition.
Cardiovascular phenotype. Identifiers: MedGen CN230736.
Myofibrillar myopathy 5. Also called: Filaminopathy (type); FILAMINOPATHY, AUTOSOMAL DOMINANT. Identifiers: Orphanet 171445, MedGen C1836050, MONDO:0012289, OMIM 609524.
Distal myopathy with posterior leg and anterior hand involvement. Also called: WILLIAMS DISTAL MYOPATHY. Identifiers: Orphanet 63273, MedGen C3279722, MONDO:0013550, OMIM 614065.
Hypertrophic cardiomyopathy 26. Also called: Cardiomyopathy, familial hypertrophic, 26. Identifiers: Orphanet 75249, MedGen C4310749, MONDO:0014883, OMIM 617047.

Allele frequency attached by ClinVar (database versions not stated): gnomAD exomes 0.00003 and 0.00007; gnomAD 0.00004 and 0.00005; TOPMed 0.00004; ExAC 0.00006; 1000 Genomes Project 30x 0.00016; 1000 Genomes Project 0.00020.
gnomAD v4.1: 50 of 1,613,856 alleles (0.0031%); highest among the groups gnomAD compares: East Asian, 0.045%; 1 homozygote.

Submissions (4):

Labcorp Genetics (formerly Invitae), Labcorp
Classification: Likely benign for Distal myopathy with posterior leg and anterior hand involvement; Myofibrillar myopathy 5; Hypertrophic cardiomyopathy 26. Last evaluated: 2025-12-03. Review status: criteria provided, single submitter. Criteria: Invitae Variant Classification Sherloc (09022015). Collection method: clinical testing. Allele origin: germline.

PreventionGenetics, part of Exact Sciences
Classification: Likely benign for FLNC-related condition. Last evaluated: 2025-08-20. Review status: criteria provided, single submitter. Criteria: ACMG Guidelines, 2015. Collection method: clinical testing. Allele origin: germline.
Comment: This variant is classified as likely benign based on ACMG/AMP sequence variant interpretation guidelines (Richards et al. 2015 PMID: 25741868, with internal and published modifications).

Blueprint Genetics
Classification: Likely benign. Last evaluated: 2024-02-08. Review status: criteria provided, single submitter. Criteria: ACMG Guidelines, 2015. Collection method: clinical testing. Allele origin: germline.

Ambry Genetics
Classification: Likely benign for Cardiovascular phenotype. Last evaluated: 2020-02-02. Review status: criteria provided, single submitter. Criteria: Ambry Variant Classification Scheme 2023. Collection method: clinical testing. Allele origin: germline.

NM_001458.5(FLNC):c.1662C>T (p.Tyr554=)

Gene: FLNC (filamin C; plus strand). Cytogenetic location: 7q32.1.
Variant type: single nucleotide variant.
Coding change: c.1662C>T on transcript NM_001458.5 (MANE Select); coding-DNA position 1662, C replaced by T.
Protein change: p.Tyr554=; no amino-acid change (tyrosine 554 retained).
Molecular consequence: synonymous variant.
Genome position (GRCh38, 1-based): chr7:128,840,660, C>T. VCF-style: chr7-128840660-C-T. GRCh37 (hg19) VCF-style: chr7-128480714-C-T.
Other names: c.1662C>T, p.Tyr554= (NM_001127487.2).
Identifiers: ClinVar variation 706667 (VCV000706667.15), dbSNP rs376975967, ClinGen allele CA4474426.